The following is an entry in ClinVar:

NM_001378454.1(ALMS1):c.12092C>A (p.Pro4031Gln)

Genes: ALMS1 (ALMS1 centrosome and basal body associated protein; plus strand), LOC126806252 (BRD4-independent group 4 enhancer GRCh37_chr2:73828496-73829695; plus strand). Cytogenetic location: 2p13.1.
Variant type: single nucleotide variant.
Coding change: c.12092C>A on transcript NM_001378454.1 (MANE Select); coding-DNA position 12092, C replaced by A.
Protein change: p.Pro4031Gln; replaces proline 4031 with glutamine.
Molecular consequence: missense variant.
Genome position (GRCh38, 1-based): chr2:73,601,414, C>A. VCF-style: chr2-73601414-C-A. GRCh37 (hg19) VCF-style: chr2-73828541-C-A.
Other names: c.12095C>A, p.Pro4032Gln (NM_015120.4); short protein forms P4031Q, P4032Q.
Identifiers: ClinVar variation 916710 (VCV000916710.2), dbSNP rs753052003, ClinGen allele CA1715421.

ClinVar aggregate classification (germline): Uncertain significance (1 of 4 stars; one submission).

Conditions:
Monogenic diabetes. Identifiers: Orphanet 183625, MedGen C3888631, MONDO:0015967.

Allele frequency attached by ClinVar (database versions not stated): gnomAD exomes below 0.00001; TOPMed below 0.00001; ExAC 0.00001.
gnomAD v4.1: 3 of 1,614,066 alleles (0.00019%); highest among the groups gnomAD compares: Non-Finnish European, 0.00025%; no homozygotes.

Submission:

Personalized Diabetes Medicine Program, University of Maryland School of Medicine
Classification: Uncertain significance for Monogenic diabetes. Last evaluated: 2019-02-22. Review status: criteria provided, single submitter. Criteria: ACMG Guidelines, 2015. Collection method: research. Allele origin: unknown. Observed: 1 variant allele, 1 heterozygote.
Comment: ACMG criteria: BP1 (missense where LOF is mechanism of disease)= VUS (REVEL 0.147 +PP3 (5 predictors) + BP4 (4 predictors) = conflicting data, not using)